The following is an entry in ClinVar:

ClinVar aggregate classification (germline): Pathogenic. Review status: criteria provided, single submitter (1 of 4 stars). 3 submissions from 3 submitters: Pathogenic (1). 2 of the submissions do not count toward it. Last evaluated 2022-01-25.

Conditions:
Multinucleated neurons-anhydramnios-renal dysplasia-cerebellar hypoplasia-hydranencephaly syndrome. Also called: Hydranencephaly with renal aplasia-dysplasia. Identifiers: Orphanet 500135, MedGen C1856053, MONDO:0009359, OMIM 236500.

Submissions (3):

GeneDx
Classification: Pathogenic. Last evaluated: 2022-01-25. Review status: criteria provided, single submitter. Criteria: GeneDx Variant Classification Process June 2021. Collection method: clinical testing. Allele origin: germline. Affected: yes.
Comment: Frameshift variant predicted to result in protein truncation or nonsense mediated decay in a gene for which loss-of-function is a known mechanism of disease; Not observed at significant frequency in large population cohorts (gnomAD); This variant is associated with the following publications: (PMID: 30622327)

OMIM
Classification: Pathogenic for MULTINUCLEATED NEURONS, ANHYDRAMNIOS, RENAL DYSPLASIA, CEREBELLAR HYPOPLASIA, AND HYDRANENCEPHALY. Last evaluated: 2022-03-17. Review status: no assertion criteria provided. Collection method: literature only. Allele origin: germline. Not counted in ClinVar's aggregate classification.

New Leaf Center
Classification: Pathogenic for Multinucleated neurons-anhydramnios-renal dysplasia-cerebellar hypoplasia-hydranencephaly syndrome. Last evaluated: 2018-09-24. Review status: no assertion criteria provided. Collection method: research. Allele origin: inherited. Inheritance: Autosomal recessive inheritance. Affected: yes. Observed: 2 homozygotes. Not counted in ClinVar's aggregate classification.
Comment: The CEP55 c.514dup; p.(Ile172Asnfs*17) variant is an Ohio Amish founder variant.

Literature cited by the submitters: PubMed 30622327 (cited by OMIM).

NM_018131.5(CEP55):c.514dup (p.Ile172fs)

Gene: CEP55 (centrosomal protein 55; plus strand). Cytogenetic location: 10q23.33.
Variant type: Duplication.
Coding change: c.514dup on transcript NM_018131.5 (MANE Select); coding-DNA position 514, one base duplicated (A; older notation c.514dupA).
Protein change: p.Ile172fs; shifts the reading frame from isoleucine 172.
Molecular consequence: frameshift variant.
Genome position (GRCh38, 1-based): chr10:93,507,042, A duplicated; the last of 3 consecutive A bases (chr10:93,507,040-93,507,042); duplicating any one gives the same sequence. VCF-style (leftmost placement, unchanged base first): chr10-93507039-G-GA. GRCh37 (hg19) VCF-style: chr10-95266796-G-GA.
Other names: c.514dup, p.Ile172fs (NM_001127182.2); short protein forms I172fs.
Identifiers: ClinVar variation 562113 (VCV000562113.5), dbSNP rs1169095680, ClinGen allele CA595269402.
Genomic context (GRCh38, chr10:93,507,039, plus strand): 5'-TATTTACAGACTGTGGCTCCAAACTGCTTCAACTCATCAATAAATAATATTCATGAAATG[G>GA]AAATACAGCTGAAAGATGTAAGTTCATTTCCTTTTAAGTTATGGGTAAAGAGGGCTAATT-3'